The following is an entry in ClinVar:

NM_001888.5(CRYM):c.-85-4A>G

Gene: CRYM (crystallin mu; minus strand). Cytogenetic location: 16p12.2.
Variant type: single nucleotide variant.
Coding change: c.-85-4A>G on transcript NM_001888.5; 4 bases into the intron before 85 bases upstream of the start codon, A replaced by G.
Molecular consequence: intron variant.
Genome position (GRCh38, 1-based): chr16:21,278,340, T>C on the plus strand (A>G on the coding strand, the complement: CRYM is on the minus strand). VCF-style: chr16-21278340-T-C. GRCh37 (hg19) VCF-style: chr16-21289661-T-C.
Identifiers: ClinVar variation 682307 (VCV000682307.3), dbSNP rs189371585, ClinGen allele CA279354690.

ClinVar aggregate classification (germline): Likely benign (1 of 4 stars; one submission).

Allele frequency attached by ClinVar (database versions not stated): 1000 Genomes Project 30x 0.00406; gnomAD exomes 0.00084; TOPMed 0.00099; gnomAD 0.00103 and 0.00074; 1000 Genomes Project 0.00459.
gnomAD v4.1: 1,353 of 1,481,482 alleles (0.091%); highest among the groups gnomAD compares: East Asian, 2.9%; 15 homozygotes.

Submission:

GeneDx
Classification: Likely benign. Last evaluated: 2018-05-14. Review status: criteria provided, single submitter. Criteria: GeneDx Variant Classification (06012015). Collection method: clinical testing. Allele origin: germline. Affected: yes.
Comment: This variant is considered likely benign or benign based on one or more of the following criteria: it is a conservative change, it occurs at a poorly conserved position in the protein, it is predicted to be benign by multiple in silico algorithms, and/or has population frequency not consistent with disease.